The following is an entry in ClinVar:

ClinVar aggregate classification (germline): Pathogenic (1 of 4 stars; one submission).

Submission:

Labcorp Genetics (formerly Invitae), Labcorp
Classification: Pathogenic. Last evaluated: 2021-09-24. Review status: criteria provided, single submitter. Criteria: Invitae Variant Classification Sherloc (09022015). Collection method: clinical testing. Allele origin: germline.
Comment: This sequence change creates a premature translational stop signal (p.Leu3156Alafs*9) in the CDH23 gene. It is expected to result in an absent or disrupted protein product. Loss-of-function variants in CDH23 are known to be pathogenic (PMID: 11138009, 21940737). For these reasons, this variant has been classified as Pathogenic. This variant has not been reported in the literature in individuals affected with CDH23-related conditions. This variant is not present in population databases (ExAC no frequency).

Literature cited by the submitters: PubMed 11138009; PubMed 21940737.

NM_022124.6(CDH23):c.9466_9500del (p.Leu3156fs)

Gene: CDH23 (cadherin related 23; plus strand). Cytogenetic location: 10q22.1.
Variant type: Deletion.
Coding change: c.9466_9500del on transcript NM_022124.6 (MANE Select); coding-DNA positions 9466 to 9500, 35 bases deleted.
Protein change: p.Leu3156fs; shifts the reading frame from leucine 3156.
Molecular consequence: frameshift variant.
Genome position (GRCh38, 1-based): chr10:71,812,565-71,812,599, 35 bases deleted; deleting any 35 consecutive bases within chr10:71,812,563-71,812,599 gives the same sequence; the c. name uses the placement nearest the transcript's 3' end. GRCh37 (hg19): chr10:73,572,322-73,572,356.
Other names: c.2746_2780del, p.Leu916fs (NM_001171933.1, NM_001171934.1); c.157_191del, p.Leu53fs (NM_001171935.1, NM_001171936.1); short protein forms L3156fs, L53fs, L916fs.
Identifiers: ClinVar variation 1359389 (VCV001359389.6), dbSNP rs2133007155, ClinGen allele CA2573145268.